The following is an entry in ClinVar:

ClinVar aggregate classification (germline): Pathogenic (1 of 4 stars; one submission).

Allele frequency attached by ClinVar (database versions not stated): gnomAD 0.00001.

Submission:

Labcorp Genetics (formerly Invitae), Labcorp
Classification: Pathogenic. Last evaluated: 2023-03-20. Review status: criteria provided, single submitter. Criteria: Invitae Variant Classification Sherloc (09022015). Collection method: clinical testing. Allele origin: germline.
Comment: This sequence change creates a premature translational stop signal (p.Asn184Glnfs*3) in the MED17 gene. It is expected to result in an absent or disrupted protein product. Loss-of-function variants in MED17 are known to be pathogenic (PMID: 20950787, 26004231, 30345598). This variant is present in population databases (no rsID available, gnomAD 0.01%). This variant has not been reported in the literature in individuals affected with MED17-related conditions. For these reasons, this variant has been classified as Pathogenic.

Literature cited by the submitters: PubMed 20950787; PubMed 26004231; PubMed 30345598.

NM_004268.5(MED17):c.549dup (p.Asn184fs)

Gene: MED17 (mediator complex subunit 17; plus strand). Cytogenetic location: 11q21.
Variant type: Duplication.
Coding change: c.549dup on transcript NM_004268.5 (MANE Select); coding-DNA position 549, one base duplicated (C; older notation c.549dupC).
Protein change: p.Asn184fs; shifts the reading frame from asparagine 184.
Molecular consequence: frameshift variant.
Genome position (GRCh38, 1-based): chr11:93,790,705, C duplicated. VCF-style (leftmost placement, unchanged base first): chr11-93790704-T-TC. GRCh37 (hg19) VCF-style: chr11-93523870-T-TC.
Other names: short protein forms N184fs.
Identifiers: ClinVar variation 2847768 (VCV002847768.3), dbSNP rs1357595604, ClinGen allele CA601193358.